The following is an entry in ClinVar:

ClinVar aggregate classification (germline): Likely benign (0 of 4 stars; one submission).

Conditions:
SIM1-related disorder. Also called: SIM1-related condition; SIM1-related disorders.

gnomAD v4.1: 2 of 1,613,942 alleles (0.00012%); highest among the groups gnomAD compares: Non-Finnish European, 0.00017%; no homozygotes.

Submission:

PreventionGenetics, part of Exact Sciences
Classification: Likely benign for SIM1-related condition. Last evaluated: 2020-06-22. Review status: no assertion criteria provided. Collection method: clinical testing. Allele origin: germline.
Comment: This variant is classified as likely benign based on ACMG/AMP sequence variant interpretation guidelines (Richards et al. 2015 PMID: 25741868, with internal and published modifications).

NM_005068.3(SIM1):c.519C>T (p.Ala173=)

Gene: SIM1 (SIM bHLH transcription factor 1; minus strand). Cytogenetic location: 6q16.3.
Variant type: single nucleotide variant.
Coding change: c.519C>T on transcript NM_005068.3 (MANE Select); coding-DNA position 519, C replaced by T.
Protein change: p.Ala173=; no amino-acid change (alanine 173 retained).
Molecular consequence: synonymous variant.
Genome position (GRCh38, 1-based): chr6:100,449,387, G>A on the plus strand (C>T on the coding strand, the complement: SIM1 is on the minus strand). VCF-style: chr6-100449387-G-A. GRCh37 (hg19) VCF-style: chr6-100897263-G-A.
Other names: c.519C>T, p.Ala173= (NM_001374769.1).
Identifiers: ClinVar variation 3351210 (VCV003351210.1).